The following is an entry in ClinVar:

NM_001378778.1(MPDZ):c.3475A>G (p.Ser1159Gly)

Gene: MPDZ (multiple PDZ domain crumbs cell polarity complex component; minus strand). Cytogenetic location: 9p23.
Variant type: single nucleotide variant.
Coding change: c.3475A>G on transcript NM_001378778.1 (MANE Select); coding-DNA position 3475, A replaced by G.
Protein change: p.Ser1159Gly; replaces serine 1159 with glycine.
Molecular consequence: missense variant.
Genome position (GRCh38, 1-based): chr9:13,150,666, T>C on the plus strand (A>G on the coding strand, the complement: MPDZ is on the minus strand). VCF-style: chr9-13150666-T-C. GRCh37 (hg19) VCF-style: chr9-13150665-T-C.
Other names: c.3475A>G, p.Ser1159Gly (NM_001261406.2, NM_001261407.2, NM_001330637.2 and 13 more transcripts); c.3277A>G, p.Ser1093Gly (NM_001375427.1); short protein forms S1159G, S1093G.
Identifiers: ClinVar variation 1349246 (VCV001349246.8), dbSNP rs761463442, ClinGen allele CA4987092.
Genomic context (GRCh38, chr9:13,150,666, plus strand): 5'-CATTGCTTAGCCGACTCCCCATCCCTCGTCCACCAACAATGCTGATGCCTAAGGATTTGC[T>C]TGGTTCTCTCCAGAGTTCCACCCTAAAAAATAAATAAAATTTTCAACTCTTAGGAAAAAT-3'
Protein context (NP_001365707.1, residues 1149-1169): PRRVELWREP[Ser1159Gly]KSLGISIVGG

ClinVar aggregate classification (germline): Uncertain significance (1 of 4 stars; one submission).

Allele frequency attached by ClinVar (database versions not stated): ExAC 0.00001; gnomAD exomes 0.00001.
gnomAD v4.1: 4 of 1,428,336 alleles (0.00028%); highest among the groups gnomAD compares: South Asian, 0.0076%; no homozygotes.

Submission:

Labcorp Genetics (formerly Invitae), Labcorp
Classification: Uncertain significance. Last evaluated: 2023-08-04. Review status: criteria provided, single submitter. Criteria: Invitae Variant Classification Sherloc (09022015). Collection method: clinical testing. Allele origin: germline.
Comment: ClinVar contains an entry for this variant (Variation ID: 1349246). In summary, the available evidence is currently insufficient to determine the role of this variant in disease. Therefore, it has been classified as a Variant of Uncertain Significance. An algorithm developed to predict the effect of missense changes on protein structure and function (PolyPhen-2) suggests that this variant is likely to be tolerated. This variant has not been reported in the literature in individuals affected with MPDZ-related conditions. This variant is present in population databases (rs761463442, gnomAD 0.005%). This sequence change replaces serine, which is neutral and polar, with glycine, which is neutral and non-polar, at codon 1159 of the MPDZ protein (p.Ser1159Gly).